The following is an entry in ClinVar:

ClinVar aggregate classification (germline): Likely benign (1 of 4 stars; one submission).

Conditions:
Familial adenomatous polyposis 1 (FAP1). Also called: POLYPOSIS, ADENOMATOUS INTESTINAL; FAMILIAL ADENOMATOUS POLYPOSIS 1, ATTENUATED. Identifiers: MedGen C2713442, MONDO:0021056, OMIM 175100. Disease mechanism: loss of function.

Submission:

Myriad Genetics, Inc.
Classification: Likely benign for Familial adenomatous polyposis 1. Last evaluated: 2024-02-23. Review status: criteria provided, single submitter. Criteria: Myriad Autosomal Dominant, Autosomal Recessive and X-Linked Classification Criteria (2023). Collection method: clinical testing. Allele origin: unknown.
Comment: This variant is considered likely benign. This variant is intronic and is not expected to impact mRNA splicing.

NM_000038.6(APC):c.423-11A>C

Gene: APC (APC regulator of Wnt signaling pathway; plus strand). Cytogenetic location: 5q22.2.
Variant type: single nucleotide variant.
Coding change: c.423-11A>C on transcript NM_000038.6 (MANE Select); 11 bases into the intron before coding-DNA position 423, A replaced by C.
Molecular consequence: intron variant.
Genome position (GRCh38, 1-based): chr5:112,775,618, A>C. VCF-style: chr5-112775618-A-C. GRCh37 (hg19) VCF-style: chr5-112111315-A-C.
Other names: c.-613-11A>C (NM_001407470.1, NM_001407472.1, NM_001354906.2 and 1 more transcripts); c.423-11A>C (NM_001407447.1, NM_001354895.2, NM_001407456.1 and 16 more transcripts); c.453-11A>C (NM_001407446.1, NM_001354897.2, NM_001354902.2 and 1 more transcripts); c.246-11A>C (NM_001407453.1, NM_001354900.2, NM_001354901.2 and 1 more transcripts); c.348-11A>C (NM_001407451.1, NM_001354898.2, NM_001354904.2).
Identifiers: ClinVar variation 3148405 (VCV003148405.1), dbSNP rs1580358224, ClinGen allele CA2825001331.